The following is an entry in ClinVar:

NM_001848.3(COL6A1):c.2566G>A (p.Ala856Thr)

Gene: COL6A1 (collagen type VI alpha 1 chain; plus strand). Cytogenetic location: 21q22.3.
Variant type: single nucleotide variant.
Coding change: c.2566G>A on transcript NM_001848.3 (MANE Select); coding-DNA position 2566, G replaced by A.
Protein change: p.Ala856Thr; replaces alanine 856 with threonine.
Molecular consequence: missense variant.
Genome position (GRCh38, 1-based): chr21:46,003,492, G>A. VCF-style: chr21-46003492-G-A. GRCh37 (hg19) VCF-style: chr21-47423406-G-A.
Other names: short protein forms A856T.
Identifiers: ClinVar variation 2010127 (VCV002010127.4), dbSNP rs2526354100, ClinGen allele CA410539597.

ClinVar aggregate classification (germline): Uncertain significance (1 of 4 stars; one submission).

Conditions:
Bethlem myopathy 1A. Also called: MYOPATHY, BENIGN CONGENITAL, WITH CONTRACTURES; Bethlem myopathy 1; Bethlem Muscular Dystrophy. Identifiers: Orphanet 610, MedGen CN029274, MONDO:0024530, OMIM 158810.

Submission:

Labcorp Genetics (formerly Invitae), Labcorp
Classification: Uncertain significance for Bethlem myopathy 1A. Last evaluated: 2022-06-24. Review status: criteria provided, single submitter. Criteria: Invitae Variant Classification Sherloc (09022015). Collection method: clinical testing. Allele origin: germline.
Comment: This sequence change replaces alanine, which is neutral and non-polar, with threonine, which is neutral and polar, at codon 856 of the COL6A1 protein (p.Ala856Thr). In summary, the available evidence is currently insufficient to determine the role of this variant in disease. Therefore, it has been classified as a Variant of Uncertain Significance. Advanced modeling of protein sequence and biophysical properties (such as structural, functional, and spatial information, amino acid conservation, physicochemical variation, residue mobility, and thermodynamic stability) performed at Invitae indicates that this missense variant is not expected to disrupt COL6A1 protein function. This variant has not been reported in the literature in individuals affected with COL6A1-related conditions. This variant is not present in population databases (gnomAD no frequency).